The following is an entry in ClinVar:

NM_001349206.2(LPIN1):c.1714-163G>A

Gene: LPIN1 (lipin 1; plus strand). Cytogenetic location: 2p25.1.
Variant type: single nucleotide variant.
Coding change: c.1714-163G>A on transcript NM_001349206.2 (MANE Select); 163 bases into the intron before coding-DNA position 1714, G replaced by A.
Molecular consequence: intron variant. On other transcripts: missense variant (2).
Genome position (GRCh38, 1-based): chr2:11,791,751, G>A. VCF-style: chr2-11791751-G-A. GRCh37 (hg19) VCF-style: chr2-11931877-G-A.
Other names: c.1649G>A, p.Arg550Lys (NM_001349200.2, NM_001349201.2); c.1861-163G>A (NM_001261428.3); c.1753-163G>A (NM_001349208.2); c.1804-163G>A (NM_001349207.2); c.1624-163G>A (NM_001261427.3); c.1714-163G>A (NM_001349204.2, NM_001349205.2); c.1711-163G>A (NM_001349202.2, NM_001349203.2); c.1606-163G>A (NM_001349199.2, NM_145693.4); short protein forms R550K.
Identifiers: ClinVar variation 4981458 (VCV004981458.1).
Genomic context (GRCh38, chr2:11,791,751, plus strand): 5'-TTTAACATCTTCTTAAGTCTTCATGCTTAAGTTACCTTCATGTAATTTTGGACGCCATTA[G>A]GTTTTGCTTCTCTAAAATTTTTAACGCACAAATAGTATGTTGTGTTTTCTCTGATTTTTT-3'

ClinVar aggregate classification (germline): Uncertain significance (1 of 4 stars; one submission).

Conditions:
LPIN1-related disorder. Also called: LPIN1-related condition.

gnomAD v4.1: 5 of 1,476,018 alleles (0.00034%); highest among the groups gnomAD compares: African/African-American, 0.0014%; no homozygotes.

Submission:

PreventionGenetics, part of Exact Sciences
Classification: Uncertain significance for LPIN1-related condition. Last evaluated: 2025-12-16. Review status: criteria provided, single submitter. Criteria: ACMG Guidelines, 2015. Collection method: clinical testing. Allele origin: germline.
Comment: The LPIN1 c.1649G>A variant is predicted to result in the amino acid substitution p.Arg550Lys. Of note, this variant can also be referred to as c.1606-163G>A with the more commonly reported isoform, NM_145693. To our knowledge, this variant has not been reported in the literature. This variant has been reported in 1 heterozygous individual within the ‘other’ subpopulation in gnomAD. At this time, the clinical significance of this variant is uncertain due to the absence of conclusive functional and genetic evidence.